The following is an entry in ClinVar:

ClinVar aggregate classification (germline): Uncertain significance (1 of 4 stars; one submission).

Submission:

Labcorp Genetics (formerly Invitae), Labcorp
Classification: Uncertain significance. Last evaluated: 2025-06-16. Review status: criteria provided, single submitter. Criteria: Invitae Variant Classification Sherloc (09022015). Collection method: clinical testing. Allele origin: germline.
Comment: This sequence change replaces alanine, which is neutral and non-polar, with aspartic acid, which is acidic and polar, at codon 627 of the PACS2 protein (p.Ala627Asp). This variant is not present in population databases (gnomAD no frequency). This variant has not been reported in the literature in individuals affected with PACS2-related conditions. ClinVar contains an entry for this variant (Variation ID: 2844095). Invitae Evidence Modeling of protein sequence and biophysical properties (such as structural, functional, and spatial information, amino acid conservation, physicochemical variation, residue mobility, and thermodynamic stability) indicates that this missense variant is not expected to disrupt PACS2 protein function with a negative predictive value of 80%. In summary, the available evidence is currently insufficient to determine the role of this variant in disease. Therefore, it has been classified as a Variant of Uncertain Significance.

NM_001100913.3(PACS2):c.1880C>A (p.Ala627Asp)

Gene: PACS2 (phosphofurin acidic cluster sorting protein 2; plus strand). Cytogenetic location: 14q32.33.
Variant type: single nucleotide variant.
Coding change: c.1880C>A on transcript NM_001100913.3 (MANE Select); coding-DNA position 1880, C replaced by A.
Protein change: p.Ala627Asp; replaces alanine 627 with aspartic acid.
Molecular consequence: missense variant.
Genome position (GRCh38, 1-based): chr14:105,384,452, C>A. VCF-style: chr14-105384452-C-A. GRCh37 (hg19) VCF-style: chr14-105850789-C-A.
Other names: c.1643C>A, p.Ala548Asp (NM_001243127.3); c.1868C>A, p.Ala623Asp (NM_015197.4); short protein forms A548D, A627D, A623D.
Identifiers: ClinVar variation 2844095 (VCV002844095.3), dbSNP rs782249992, ClinGen allele CA391184174.